The following is an entry in ClinVar:

NM_004999.4(MYO6):c.3483G>A (p.Glu1161=)

Gene: MYO6 (myosin VI; plus strand). Cytogenetic location: 6q14.1.
Variant type: single nucleotide variant.
Coding change: c.3483G>A on transcript NM_004999.4 (MANE Select); coding-DNA position 3483, G replaced by A.
Protein change: p.Glu1161=; no amino-acid change (glutamic acid 1161 retained).
Molecular consequence: synonymous variant. On other transcripts: non-coding transcript variant (1).
Genome position (GRCh38, 1-based): chr6:75,914,106, G>A. VCF-style: chr6-75914106-G-A. GRCh37 (hg19) VCF-style: chr6-76623823-G-A.
Other names: c.3414G>A, p.Glu1138= (NM_001300899.2); c.3387G>A, p.Glu1129= (NM_001368136.1); c.3444G>A, p.Glu1148= (NM_001368137.1); c.3399G>A, p.Glu1133= (NM_001368138.1); c.3510G>A, p.Glu1170= (NM_001368865.1); c.3483G>A, p.Glu1161= (NM_001368866.1).
Identifiers: ClinVar variation 909766 (VCV000909766.14), dbSNP rs139174622, ClinGen allele CA3897742.

ClinVar aggregate classification (germline): Conflicting classifications of pathogenicity. Review status: criteria provided, conflicting classifications (1 of 4 stars). 4 submissions from 3 submitters: Uncertain significance (1); Benign (1); Likely benign (2). Last evaluated 2026-01-23.

Conditions:
Autosomal recessive nonsyndromic hearing loss 37. Identifiers: Orphanet 90636, MedGen C1843028, MONDO:0011912, OMIM 607821.
Autosomal dominant nonsyndromic hearing loss 22. Also called: DFNA 22; Autosomal dominant nonsyndromic deafness 22. Identifiers: Orphanet 228012, MedGen C2931767, MONDO:0011660, OMIM 606346.

Allele frequency attached by ClinVar (database versions not stated): gnomAD 0.00023 and 0.00024; gnomAD exomes 0.00024 and 0.00047; TOPMed 0.00029; ExAC 0.00031; ESP Exome Variant Server 0.00046.
gnomAD v4.1: 407 of 1,614,040 alleles (0.025%); highest among the groups gnomAD compares: Non-Finnish European, 0.0047%; 2 homozygotes.

Submissions (4):

Labcorp Genetics (formerly Invitae), Labcorp
Classification: Benign. Last evaluated: 2026-01-23. Review status: criteria provided, single submitter. Criteria: Invitae Variant Classification Sherloc (09022015). Collection method: clinical testing. Allele origin: germline.

GeneDx
Classification: Likely benign. Last evaluated: 2020-11-11. Review status: criteria provided, single submitter. Criteria: GeneDx Variant Classification Process June 2021. Collection method: clinical testing. Allele origin: germline. Affected: yes.

Illumina Laboratory Services, Illumina
Classification: Likely benign for Autosomal dominant nonsyndromic hearing loss 22. Last evaluated: 2018-01-12. Review status: criteria provided, single submitter. Criteria: ICSL Variant Classification Criteria 13 December 2019. Collection method: clinical testing. Allele origin: germline.
Comment: This variant was observed in the ICSL laboratory as part of a predisposition screen in an ostensibly healthy population. It had not been previously curated by ICSL or reported in the Human Gene Mutation Database (HGMD: prior to June 1st, 2018), and was therefore a candidate for classification through an automated scoring system. Utilizing variant allele frequency, disease prevalence and penetrance estimates, and inheritance mode, an automated score was calculated to assess if this variant is too frequent to cause the disease. Based on the score and internal cut-off values, a variant classified as likely benign is not then subjected to further curation. The score for this variant resulted in a classification of likely benign for this disease.

Illumina Laboratory Services, Illumina
Classification: Uncertain significance for Autosomal recessive nonsyndromic hearing loss 37. Last evaluated: 2018-01-12. Review status: criteria provided, single submitter. Criteria: ICSL Variant Classification Criteria 13 December 2019. Collection method: clinical testing. Allele origin: germline.